The following is an entry in ClinVar:

ClinVar aggregate classification (germline): Likely benign (1 of 4 stars; one submission).

Conditions:
HTT-related disorder. Also called: HTT-related condition.

Allele frequency attached by ClinVar (database versions not stated): gnomAD exomes below 0.00001.
gnomAD v4.1: 1 of 1,614,138 alleles (0.000062%); highest among the groups gnomAD compares: Non-Finnish European, 0.000085%; no homozygotes.

Submission:

PreventionGenetics, part of Exact Sciences
Classification: Likely benign for HTT-related condition. Last evaluated: 2022-03-10. Review status: criteria provided, single submitter. Criteria: ACMG Guidelines, 2015. Collection method: clinical testing. Allele origin: germline.
Comment: This variant is classified as likely benign based on ACMG/AMP sequence variant interpretation guidelines (Richards et al. 2015 PMID: 25741868, with internal and published modifications).

NM_001388492.1(HTT):c.7014C>T (p.Ala2338=)

Gene: HTT (huntingtin; plus strand). Cytogenetic location: 4p16.3.
Variant type: single nucleotide variant.
Coding change: c.7014C>T on transcript NM_001388492.1 (MANE Select); coding-DNA position 7014, C replaced by T.
Protein change: p.Ala2338=; no amino-acid change (alanine 2338 retained).
Molecular consequence: synonymous variant.
Genome position (GRCh38, 1-based): chr4:3,215,171, C>T. VCF-style: chr4-3215171-C-T. GRCh37 (hg19) VCF-style: chr4-3216898-C-T.
Other names: c.7020C>T, p.Ala2340= (NM_002111.8).
Identifiers: ClinVar variation 3050228 (VCV003050228.1), dbSNP rs2474046119, ClinGen allele CA438134209.